The following is an entry in ClinVar:

ClinVar aggregate classification (germline): Likely benign (0 of 4 stars; one submission).

Conditions:
RTTN-related disorder. Also called: RTTN-related condition.

Submission:

PreventionGenetics, part of Exact Sciences
Classification: Likely benign for RTTN-related condition. Last evaluated: 2020-01-03. Review status: no assertion criteria provided. Collection method: clinical testing. Allele origin: germline.
Comment: This variant is classified as likely benign based on ACMG/AMP sequence variant interpretation guidelines (Richards et al. 2015 PMID: 25741868, with internal and published modifications).

NM_173630.4(RTTN):c.841+4T>G

Gene: RTTN (rotatin; minus strand). Cytogenetic location: 18q22.2.
Variant type: single nucleotide variant.
Coding change: c.841+4T>G on transcript NM_173630.4 (MANE Select); 4 bases into the intron after coding-DNA position 841, T replaced by G.
Molecular consequence: intron variant.
Genome position (GRCh38, 1-based): chr18:70,196,497, A>C on the plus strand (T>G on the coding strand, the complement: RTTN is on the minus strand). VCF-style: chr18-70196497-A-C. GRCh37 (hg19) VCF-style: chr18-67863733-A-C.
Other names: c.-1713+4T>G (NM_001318520.2).
Identifiers: ClinVar variation 3043169 (VCV003043169.2), dbSNP rs2513030826, ClinGen allele CA2576525613.